The following is an entry in ClinVar:

ClinVar aggregate classification (germline): Benign/Likely benign. Review status: criteria provided, multiple submitters, no conflicts (2 of 4 stars). 4 submissions from 4 submitters: Benign (1); Likely benign (3). Last evaluated 2025-12-22.

Conditions:
Cardiovascular phenotype. Identifiers: MedGen CN230736.
Danon disease. Also called: ANTOPOL DISEASE; Glycogen Storage Disease Type IIb; PSEUDOGLYCOGENOSIS II; GSD IIb; LYSOSOMAL GLYCOGEN STORAGE DISEASE WITHOUT ACID MALTASE DEFICIENCY. Identifiers: Orphanet 34587, MedGen C0878677, MONDO:0010281, OMIM 300257.

Allele frequency attached by ClinVar (database versions not stated): gnomAD below 0.00001 and 0.00003; gnomAD exomes 0.00004 and 0.00010; ExAC 0.00010.
gnomAD v4.1: 48 of 1,204,882 alleles (0.004%); highest among the groups gnomAD compares: South Asian, 0.074%; no homozygotes.

Submissions (4):

Labcorp Genetics (formerly Invitae), Labcorp
Classification: Benign for Danon disease. Last evaluated: 2025-12-22. Review status: criteria provided, single submitter. Criteria: Invitae Variant Classification Sherloc (09022015). Collection method: clinical testing. Allele origin: germline.

Blueprint Genetics
Classification: Likely benign. Last evaluated: 2021-06-30. Review status: criteria provided, single submitter. Criteria: ACMG Guidelines, 2015. Collection method: clinical testing. Allele origin: germline.

GeneDx
Classification: Likely benign. Last evaluated: 2017-06-23. Review status: criteria provided, single submitter. Criteria: GeneDx Variant Classification (06012015). Collection method: clinical testing. Allele origin: germline. Affected: yes.
Comment: This variant is considered likely benign or benign based on one or more of the following criteria: it is a conservative change, it occurs at a poorly conserved position in the protein, it is predicted to be benign by multiple in silico algorithms, and/or has population frequency not consistent with disease.

Ambry Genetics
Classification: Likely benign for Cardiovascular phenotype. Last evaluated: 2016-11-22. Review status: criteria provided, single submitter. Criteria: Ambry Variant Classification Scheme 2023. Collection method: clinical testing. Allele origin: germline.

NM_002294.3(LAMP2):c.877C>A (p.Arg293=)

Gene: LAMP2 (lysosome associated membrane protein 2; minus strand). Cytogenetic location: Xq24.
Variant type: single nucleotide variant.
Coding change: c.877C>A on transcript NM_002294.3 (MANE Select); coding-DNA position 877, C replaced by A.
Protein change: p.Arg293=; no amino-acid change (arginine 293 retained).
Molecular consequence: synonymous variant.
Genome position (GRCh38, 1-based): chrX:120,442,650, G>T on the plus strand (C>A on the coding strand, the complement: LAMP2 is on the minus strand). VCF-style: chrX-120442650-G-T. GRCh37 (hg19) VCF-style: chrX-119576505-G-T.
Other names: c.877C>A, p.Arg293= (NM_001122606.1, NM_013995.2).
Identifiers: ClinVar variation 507194 (VCV000507194.16), dbSNP rs727503118, ClinGen allele CA10505236.
Genomic context (GRCh38, chrX:120,442,650, plus strand): 5'-TTTGCTTACCGGAGCCATTAACCAAATACATGCTGATGTTCACTTCCTTCAGATAAAATC[G>T]GTTTTCATTTTTCTGTTTGAAAAAGAGCTTCCAGTTAATTAACATTTCACAACTGTCTAC-3'
Protein context (NP_002285.1, residues 283-303): DFVFAVKNEN[Arg293=]FYLKEVNISM